The following is an entry in ClinVar:

ClinVar aggregate classification (germline): Uncertain significance (1 of 4 stars; one submission).

Conditions:
Kleefstra syndrome 2 (KLEFS2). Identifiers: MedGen C4540395, MONDO:0054701, OMIM 617768.

Submission:

Laboratorio de Genetica e Diagnostico Molecular, Hospital Israelita Albert Einstein
Classification: Uncertain significance for Kleefstra syndrome 2. Last evaluated: 2025-03-20. Review status: criteria provided, single submitter. Criteria: ACMG Guidelines, 2015. Collection method: clinical testing. Allele origin: germline. Affected: yes.
Comment: ACMG classification criteria: PM2 supporting, BP4 supporting

NM_170606.3(KMT2C):c.5224C>G (p.Gln1742Glu)

Gene: KMT2C (lysine methyltransferase 2C; minus strand). Cytogenetic location: 7q36.1.
Variant type: single nucleotide variant.
Coding change: c.5224C>G on transcript NM_170606.3 (MANE Select); coding-DNA position 5224, C replaced by G.
Protein change: p.Gln1742Glu; replaces glutamine 1742 with glutamic acid.
Molecular consequence: missense variant.
Genome position (GRCh38, 1-based): chr7:152,183,015, G>C on the plus strand (C>G on the coding strand, the complement: KMT2C is on the minus strand). VCF-style: chr7-152183015-G-C. GRCh37 (hg19) VCF-style: chr7-151880100-G-C.
Other names: short protein forms Q1742E.
Identifiers: ClinVar variation 4056563 (VCV004056563.1).